The following is an entry in ClinVar:

NM_015110.4(SMC5):c.2151-15A>G

Gene: SMC5 (structural maintenance of chromosomes 5; plus strand). Cytogenetic location: 9q21.12.
Variant type: single nucleotide variant.
Coding change: c.2151-15A>G on transcript NM_015110.4 (MANE Select); 15 bases into the intron before coding-DNA position 2151, A replaced by G.
Molecular consequence: intron variant.
Genome position (GRCh38, 1-based): chr9:70,323,468, A>G. VCF-style: chr9-70323468-A-G. GRCh37 (hg19) VCF-style: chr9-72938384-A-G.
Identifiers: ClinVar variation 4851264 (VCV004851264.1).
Genomic context (GRCh38, chr9:70,323,468, plus strand): 5'-TGGGGGGGACCTAAGAATTTGGGATCAATTCTTATGTTTAACACTGATTTCTTCATTATT[A>G]TATGTGTCATACAGTTTAAAGCTGATGGAACAGGATACTTGCAATCTTGAAGAGGAAGAG-3'

ClinVar aggregate classification (germline): Likely benign (1 of 4 stars; one submission).

Conditions:
Atelis syndrome 2 (ATELS2). Also called: POOR GROWTH, MICROCEPHALY, DYSMORPHIC FACIES, AND CARDIAC DEFECTS; MOSAIC VARIEGATED ANEUPLOIDY SYNDROME 6. Identifiers: MedGen C5774282, MONDO:0859576, OMIM 620185.

gnomAD v4.1: 14 of 1,582,268 alleles (0.00088%); highest among the groups gnomAD compares: East Asian, 0.0091%; no homozygotes.

Submission:

Centre for Medical Genetics,  Mumbai
Classification: Likely benign for Atelis syndrome 2. Last evaluated: 2026-04-06. Review status: criteria provided, single submitter. Criteria: ACMG Guidelines, 2015. Collection method: provider interpretation. Allele origin: germline. Inheritance: Autosomal recessive inheritance. Affected: no. Observed: 1 variant allele, 1 homozygote.
Comment: The variant satisfies PM2 criteria; Extremely low frequency in gnomAD population databases. The variant satisfies BP7 criteria; Synonymous or non coding variant which is not located in a splice region and not predicted to have splice-altering consequence. However, the variant satisfies BS2 criteria.

Literature cited by the submitters: PubMed 36333305.